The following is an entry in ClinVar:

ClinVar aggregate classification (germline): Likely pathogenic (1 of 4 stars; one submission).

Conditions:
Peroxisome biogenesis disorder. Identifiers: Orphanet 79189, MedGen C1832200, MONDO:0019234. Disease mechanism: loss of function.

Submission:

Myriad Genetics, Inc.
Classification: Likely pathogenic for Peroxisome biogenesis disorder. Last evaluated: 2025-09-03. Review status: criteria provided, single submitter. Criteria: Myriad Autosomal Dominant, Autosomal Recessive and X-Linked Classification Criteria (2023). Collection method: clinical testing. Allele origin: unknown.
Comment: NM_000318.2(PEX2):c.392C>A(S131*) is a nonsense variant classified as likely pathogenic in the context of peroxisome biogenesis disorder type 5. S131* has not been observed in cases with relevant disease. Relevant functional assessments of this variant are not available in the literature. S131* has not been observed in referenced population frequency databases. In summary, NM_000318.2(PEX2):c.392C>A(S131*) is nonsense variant in a gene where loss of function is a known mechanism of disease and is predicted to disrupt protein function. Please note: this variant was assessed in the context of healthy population screening.

NM_000318.3(PEX2):c.392C>A (p.Ser131Ter)

Gene: PEX2 (peroxisomal biogenesis factor 2; minus strand). Cytogenetic location: 8q21.13.
Variant type: single nucleotide variant.
Coding change: c.392C>A on transcript NM_000318.3 (MANE Select); coding-DNA position 392, C replaced by A.
Protein change: p.Ser131Ter; replaces serine 131 with a stop codon.
Molecular consequence: nonsense.
Genome position (GRCh38, 1-based): chr8:76,983,787, G>T on the plus strand (C>A on the coding strand, the complement: PEX2 is on the minus strand). VCF-style: chr8-76983787-G-T. GRCh37 (hg19) VCF-style: chr8-77896023-G-T.
Other names: c.392C>A, p.Ser131Ter (NM_001079867.2, NM_001172086.2, NM_001172087.2); short protein forms S131*.
Identifiers: ClinVar variation 5003529 (VCV005003529.1).